The following is an entry in ClinVar:

ClinVar aggregate classification (germline): Uncertain significance (1 of 4 stars; one submission).

Conditions:
Charcot-Marie-Tooth disease axonal type 2O. Also called: CHARCOT-MARIE-TOOTH NEUROPATHY, AXONAL, TYPE 2O; CHARCOT-MARIE-TOOTH DISEASE, AXONAL, AUTOSOMAL DOMINANT, TYPE 2O; Charcot-Marie-Tooth Neuropathy Type 2O; Charcot-Marie-Tooth disease, axonal, type 20. Identifiers: Orphanet 284232, MedGen C3280220, MONDO:0013644, OMIM 614228.

Submission:

Labcorp Genetics (formerly Invitae), Labcorp
Classification: Uncertain significance for Charcot-Marie-Tooth disease axonal type 2O. Last evaluated: 2022-08-03. Review status: criteria provided, single submitter. Criteria: Invitae Variant Classification Sherloc (09022015). Collection method: clinical testing. Allele origin: germline.
Comment: In summary, the available evidence is currently insufficient to determine the role of this variant in disease. Therefore, it has been classified as a Variant of Uncertain Significance. Advanced modeling of protein sequence and biophysical properties (such as structural, functional, and spatial information, amino acid conservation, physicochemical variation, residue mobility, and thermodynamic stability) performed at Invitae indicates that this missense variant is not expected to disrupt DYNC1H1 protein function. This variant has not been reported in the literature in individuals affected with DYNC1H1-related conditions. This variant is not present in population databases (gnomAD no frequency). This sequence change replaces arginine, which is basic and polar, with glutamine, which is neutral and polar, at codon 2046 of the DYNC1H1 protein (p.Arg2046Gln).

NM_001376.5(DYNC1H1):c.6137G>A (p.Arg2046Gln)

Gene: DYNC1H1 (dynein cytoplasmic 1 heavy chain 1; plus strand). Cytogenetic location: 14q32.31.
Variant type: single nucleotide variant.
Coding change: c.6137G>A on transcript NM_001376.5 (MANE Select); coding-DNA position 6137, G replaced by A.
Protein change: p.Arg2046Gln; replaces arginine 2046 with glutamine.
Molecular consequence: missense variant.
Genome position (GRCh38, 1-based): chr14:102,010,002, G>A. VCF-style: chr14-102010002-G-A. GRCh37 (hg19) VCF-style: chr14-102476339-G-A.
Other names: short protein forms R2046Q.
Identifiers: ClinVar variation 1714875 (VCV001714875.5), dbSNP rs2503751000, ClinGen allele CA391053316.